The following is an entry in ClinVar:

NM_006231.4(POLE):c.900C>G (p.Ile300Met)

Gene: POLE (DNA polymerase epsilon, catalytic subunit; minus strand). Cytogenetic location: 12q24.33.
Variant type: single nucleotide variant.
Coding change: c.900C>G on transcript NM_006231.4 (MANE Select); coding-DNA position 900, C replaced by G.
Protein change: p.Ile300Met; replaces isoleucine 300 with methionine.
Molecular consequence: missense variant.
Genome position (GRCh38, 1-based): chr12:132,676,555, G>C on the plus strand (C>G on the coding strand, the complement: POLE is on the minus strand). VCF-style: chr12-132676555-G-C. GRCh37 (hg19) VCF-style: chr12-133253141-G-C.
Other names: c.900C>G (NM_006231.2); short protein forms I300M.
Identifiers: ClinVar variation 473840 (VCV000473840.11), dbSNP rs1161210567, ClinGen allele CA387364154.
Genomic context (GRCh38, chr12:132,676,555, plus strand): 5'-CAGACAAGGTCCCCATCCCAGGAGCTTACTTCCCAGAAGCCACCTGCTCACCTGGCCATC[G>C]ATCATGTAGGAAATCATCATAATCTGGTCTGTCTCAGCATCAGGAAACTTGAGGGGCAGT-3'
Protein context (NP_006222.2, residues 290-310): TDQIMMISYM[Ile300Met]DGQGYLITNR

ClinVar aggregate classification (germline): Uncertain significance. Review status: criteria provided, multiple submitters, no conflicts (2 of 4 stars). 2 submissions from 2 submitters: Uncertain significance (2). Last evaluated 2025-07-18.

Conditions:
Hereditary cancer-predisposing syndrome. Also called: Neoplastic Syndromes, Hereditary; Tumor predisposition; Hereditary Cancer Syndrome; Hereditary neoplastic syndrome. Identifiers: Orphanet 140162, MedGen C0027672, MeSH D009386, MONDO:0015356.

Submissions (2):

Ambry Genetics
Classification: Uncertain significance for Hereditary cancer-predisposing syndrome. Last evaluated: 2025-07-18. Review status: criteria provided, single submitter. Criteria: Ambry Variant Classification Scheme 2023. Collection method: clinical testing. Allele origin: germline.
Comment: The p.I300M variant (also known as c.900C>G), located in coding exon 9 of the POLE gene, results from a C to G substitution at nucleotide position 900. The isoleucine at codon 300 is replaced by methionine, an amino acid with highly similar properties. This amino acid position is conserved. In addition, this alteration is predicted to be tolerated by in silico analysis. Based on the available evidence, the clinical significance of this variant remains unclear.

Labcorp Genetics (formerly Invitae), Labcorp
Classification: Uncertain significance. Last evaluated: 2019-11-10. Review status: criteria provided, single submitter. Criteria: Invitae Variant Classification Sherloc (09022015). Collection method: clinical testing. Allele origin: germline.
Comment: In summary, this variant is a novel missense change with uncertain impact on protein function. It has been classified as a Variant of Uncertain Significance. Algorithms developed to predict the effect of missense changes on protein structure and function do not agree on the potential impact of this missense change (SIFT: "Deleterious"; PolyPhen-2: "Probably Damaging"; Align-GVGD: "Class C0"). This variant is not present in population databases (ExAC no frequency) and has not been reported in the literature in individuals with a POLE-related disease. This sequence change replaces isoleucine with methionine at codon 300 of the POLE protein (p.Ile300Met). The isoleucine residue is highly conserved and there is a small physicochemical difference between isoleucine and methionine.